The following is an entry in ClinVar:

NM_000124.4(ERCC6):c.2957T>C (p.Val986Ala)

Gene: ERCC6 (ERCC excision repair 6, chromatin remodeling factor; minus strand). Cytogenetic location: 10q11.23.
Variant type: single nucleotide variant.
Coding change: c.2957T>C on transcript NM_000124.4 (MANE Select); coding-DNA position 2957, T replaced by C.
Protein change: p.Val986Ala; replaces valine 986 with alanine.
Molecular consequence: missense variant.
Genome position (GRCh38, 1-based): chr10:49,471,088, A>G on the plus strand (T>C on the coding strand, the complement: ERCC6 is on the minus strand). VCF-style: chr10-49471088-A-G. GRCh37 (hg19) VCF-style: chr10-50679134-A-G.
Other names: c.2957T>C, p.Val986Ala (NM_001346440.2); c.2957T>C (NM_000124.3); short protein forms V986A.
Identifiers: ClinVar variation 3906411 (VCV003906411.2).

ClinVar aggregate classification (germline): Uncertain significance. Review status: criteria provided, multiple submitters, no conflicts (2 of 4 stars). 2 submissions from 2 submitters: Uncertain significance (2). Last evaluated 2024-12-21.

Conditions:
ERCC6-related disorder. Also called: ERCC6-related disorders; ERCC6-related condition. Identifiers: MedGen CN239385.

gnomAD v4.1: 3 of 1,613,844 alleles (0.00019%); highest among the groups gnomAD compares: Middle Eastern, 0.016%; no homozygotes.

Submissions (2):

GeneDx
Classification: Uncertain significance. Last evaluated: 2024-12-21. Review status: criteria provided, single submitter. Criteria: GeneDx Variant Classification Process June 2021. Collection method: clinical testing. Allele origin: germline. Affected: yes.
Comment: Not observed at significant frequency in large population cohorts (gnomAD); In silico analysis supports that this missense variant has a deleterious effect on protein structure/function; Has not been previously published as pathogenic or benign to our knowledge

PreventionGenetics, part of Exact Sciences
Classification: Uncertain significance for ERCC6-related condition. Last evaluated: 2024-11-23. Review status: criteria provided, single submitter. Criteria: ACMG Guidelines, 2015. Collection method: clinical testing. Allele origin: germline.
Comment: The ERCC6 c.2957T>C variant is predicted to result in the amino acid substitution p.Val986Ala. To our knowledge, this variant has not been reported in the literature. This variant is reported in 0.0029% of alleles in individuals of Latino descent in gnomAD. At this time, the clinical significance of this variant is uncertain due to the absence of conclusive functional and genetic evidence.